The following is an entry in ClinVar:

ClinVar aggregate classification (germline): Uncertain significance (1 of 4 stars; one submission).

Conditions:
Fanconi anemia (FA). Also called: Fanconi's anemia. Identifiers: Orphanet 84, MedGen C0015625, MeSH D005199, MONDO:0019391.

gnomAD v4.1: 4 of 1,603,966 alleles (0.00025%); highest among the groups gnomAD compares: Middle Eastern, 0.017%; no homozygotes.

Submission:

Labcorp Genetics (formerly Invitae), Labcorp
Classification: Uncertain significance for Fanconi anemia. Last evaluated: 2025-01-31. Review status: criteria provided, single submitter. Criteria: Invitae Variant Classification Sherloc (09022015). Collection method: clinical testing. Allele origin: germline.
Comment: This sequence change replaces threonine, which is neutral and polar, with alanine, which is neutral and non-polar, at codon 955 of the FANCD2 protein (p.Thr955Ala). This variant is present in population databases (no rsID available, gnomAD 0.0009%). This variant has not been reported in the literature in individuals affected with FANCD2-related conditions. Invitae Evidence Modeling of protein sequence and biophysical properties (such as structural, functional, and spatial information, amino acid conservation, physicochemical variation, residue mobility, and thermodynamic stability) indicates that this missense variant is not expected to disrupt FANCD2 protein function with a negative predictive value of 80%. In summary, the available evidence is currently insufficient to determine the role of this variant in disease. Therefore, it has been classified as a Variant of Uncertain Significance.

NM_001018115.3(FANCD2):c.2863A>G (p.Thr955Ala)

Genes: FANCD2 (FA complementation group D2; plus strand), LOC107303338 (3p25 FANCD2 Alu-mediated recombination region; plus strand). Cytogenetic location: 3p25.3.
Variant type: single nucleotide variant.
Coding change: c.2863A>G on transcript NM_001018115.3 (MANE Select); coding-DNA position 2863, A replaced by G.
Protein change: p.Thr955Ala; replaces threonine 955 with alanine.
Molecular consequence: missense variant.
Genome position (GRCh38, 1-based): chr3:10,078,084, A>G. VCF-style: chr3-10078084-A-G. GRCh37 (hg19) VCF-style: chr3-10119768-A-G.
Other names: c.2863A>G, p.Thr955Ala (NM_001374254.1, NM_033084.6, NM_001319984.2); c.2752A>G, p.Thr918Ala (NM_001374253.1); short protein forms T918A, T955A.
Identifiers: ClinVar variation 3629195 (VCV003629195.2).